The following is an entry in ClinVar:

ClinVar aggregate classification (germline): Likely benign. Review status: criteria provided, multiple submitters, no conflicts (2 of 4 stars). 2 submissions from 2 submitters: Likely benign (2). Last evaluated 2026-01-23.

Conditions:
FKTN-related disorder. Also called: FKTN-related condition; FKTN-related disorders.
Walker-Warburg congenital muscular dystrophy. Also called: Muscular dystrophy-dystroglycanopathy, type A; Walker-Warburg syndrome. Identifiers: Orphanet 899, MedGen C0265221, MONDO:0000171.

Allele frequency attached by ClinVar (database versions not stated): gnomAD exomes below 0.00001; ExAC 0.00001; ESP Exome Variant Server 0.00008.
gnomAD v4.1: 1 of 1,613,674 alleles (0.000062%); highest among the groups gnomAD compares: African/African-American, 0.0013%; no homozygotes.

Submissions (2):

PreventionGenetics, part of Exact Sciences
Classification: Likely benign for FKTN-related condition. Last evaluated: 2026-01-23. Review status: criteria provided, single submitter. Criteria: ACMG Guidelines, 2015. Collection method: clinical testing. Allele origin: germline.
Comment: This variant is classified as likely benign based on ACMG/AMP sequence variant interpretation guidelines (Richards et al. 2015 PMID: 25741868, with internal and published modifications).

Labcorp Genetics (formerly Invitae), Labcorp
Classification: Likely benign for Walker-Warburg congenital muscular dystrophy. Last evaluated: 2025-02-11. Review status: criteria provided, single submitter. Criteria: Invitae Variant Classification Sherloc (09022015). Collection method: clinical testing. Allele origin: germline.

NM_001079802.2(FKTN):c.781-8A>C

Gene: FKTN (fukutin; plus strand). Cytogenetic location: 9q31.2.
Variant type: single nucleotide variant.
Coding change: c.781-8A>C on transcript NM_001079802.2 (MANE Select); 8 bases into the intron before coding-DNA position 781, A replaced by C.
Molecular consequence: intron variant.
Genome position (GRCh38, 1-based): chr9:105,615,270, A>C. VCF-style: chr9-105615270-A-C. GRCh37 (hg19) VCF-style: chr9-108377551-A-C.
Other names: c.781-8A>C (NM_006731.2, NM_001351496.2, NM_001198963.2 and 2 more transcripts); c.385-8A>C (NM_001351502.2, NM_001351499.2, NM_001351500.2 and 1 more transcripts); c.712-8A>C (NM_001351497.2).
Identifiers: ClinVar variation 2824276 (VCV002824276.4), dbSNP rs374973759, ClinGen allele CA5170497.